The following is an entry in ClinVar:

ClinVar aggregate classification (germline): Likely benign. Review status: criteria provided, multiple submitters, no conflicts (2 of 4 stars). 3 submissions from 3 submitters: Likely benign (2). 1 of the submissions does not count toward it. Last evaluated 2026-01-26.

Conditions:
PCLO-related disorder. Also called: PCLO-related condition.

Allele frequency attached by ClinVar (database versions not stated): ESP Exome Variant Server 0.00016; ExAC 0.00018; gnomAD exomes 0.00018 and 0.00024; TOPMed 0.00022; gnomAD 0.00028 and 0.00030.
gnomAD v4.1: 387 of 1,613,816 alleles (0.024%); highest among the groups gnomAD compares: Non-Finnish European, 0.03%; no homozygotes.

Submissions (3):

Labcorp Genetics (formerly Invitae), Labcorp
Classification: Likely benign. Last evaluated: 2026-01-26. Review status: criteria provided, single submitter. Criteria: Invitae Variant Classification Sherloc (09022015). Collection method: clinical testing. Allele origin: germline.

CeGaT Center for Human Genetics Tuebingen
Classification: Likely benign. Last evaluated: 2023-07-01. Review status: criteria provided, single submitter. Criteria: CeGaT Center For Human Genetics Tuebingen Variant Classification Criteria Version 2. Collection method: clinical testing. Allele origin: germline. Affected: yes. Observed: 1 variant allele.
Comment: PCLO: BP4, BP7

PreventionGenetics, part of Exact Sciences
Classification: Likely benign for PCLO-related condition. Last evaluated: 2022-12-07. Review status: no assertion criteria provided. Collection method: clinical testing. Allele origin: germline. Not counted in ClinVar's aggregate classification.
Comment: This variant is classified as likely benign based on ACMG/AMP sequence variant interpretation guidelines (Richards et al. 2015 PMID: 25741868, with internal and published modifications).

NM_033026.6(PCLO):c.3429A>G (p.Ser1143=)

Gene: PCLO (piccolo presynaptic cytomatrix protein; minus strand). Cytogenetic location: 7q21.11.
Variant type: single nucleotide variant.
Coding change: c.3429A>G on transcript NM_033026.6 (MANE Select); coding-DNA position 3429, A replaced by G.
Protein change: p.Ser1143=; no amino-acid change (serine 1143 retained).
Molecular consequence: synonymous variant.
Genome position (GRCh38, 1-based): chr7:82,966,359, T>C on the plus strand (A>G on the coding strand, the complement: PCLO is on the minus strand). VCF-style: chr7-82966359-T-C. GRCh37 (hg19) VCF-style: chr7-82595675-T-C.
Other names: c.3429A>G, p.Ser1143= (NM_014510.3); c.3429A>G (NM_033026.5).
Identifiers: ClinVar variation 1671977 (VCV001671977.33), dbSNP rs376611941, ClinGen allele CA4321042.